The following is an entry in ClinVar:

ClinVar aggregate classification (germline): Uncertain significance (1 of 4 stars; one submission).

Conditions:
Kabuki syndrome. Also called: Kabuki make-up syndrome; NIIKAWA-KUROKI SYNDROME. Identifiers: Orphanet 2322, MedGen C0796004, MONDO:0016512.

Submission:

Labcorp Genetics (formerly Invitae), Labcorp
Classification: Uncertain significance for Kabuki syndrome. Last evaluated: 2023-08-28. Review status: criteria provided, single submitter. Criteria: Invitae Variant Classification Sherloc (09022015). Collection method: clinical testing. Allele origin: germline.
Comment: In summary, the available evidence is currently insufficient to determine the role of this variant in disease. Therefore, it has been classified as a Variant of Uncertain Significance. Advanced modeling of protein sequence and biophysical properties (such as structural, functional, and spatial information, amino acid conservation, physicochemical variation, residue mobility, and thermodynamic stability) performed at Invitae indicates that this missense variant is not expected to disrupt KMT2D protein function. This variant has not been reported in the literature in individuals affected with KMT2D-related conditions. This variant is not present in population databases (gnomAD no frequency). This sequence change replaces glutamine, which is neutral and polar, with arginine, which is basic and polar, at codon 4417 of the KMT2D protein (p.Gln4417Arg).

NM_003482.4(KMT2D):c.13250A>G (p.Gln4417Arg)

Gene: KMT2D (lysine methyltransferase 2D; minus strand). Cytogenetic location: 12q13.12.
Variant type: single nucleotide variant.
Coding change: c.13250A>G on transcript NM_003482.4 (MANE Select); coding-DNA position 13250, A replaced by G.
Protein change: p.Gln4417Arg; replaces glutamine 4417 with arginine.
Molecular consequence: missense variant.
Genome position (GRCh38, 1-based): chr12:49,031,455, T>C on the plus strand (A>G on the coding strand, the complement: KMT2D is on the minus strand). VCF-style: chr12-49031455-T-C. GRCh37 (hg19) VCF-style: chr12-49425238-T-C.
Other names: short protein forms Q4417R.
Identifiers: ClinVar variation 2731243 (VCV002731243.3), dbSNP rs2498351457, ClinGen allele CA384706718.